The following is an entry in ClinVar:

NM_000257.4(MYH7):c.3410C>T (p.Ser1137Leu)

Gene: MYH7 (myosin heavy chain 7; minus strand). Cytogenetic location: 14q11.2.
Variant type: single nucleotide variant.
Coding change: c.3410C>T on transcript NM_000257.4 (MANE Select); coding-DNA position 3410, C replaced by T.
Protein change: p.Ser1137Leu; replaces serine 1137 with leucine.
Molecular consequence: missense variant.
Genome position (GRCh38, 1-based): chr14:23,420,161, G>A on the plus strand (C>T on the coding strand, the complement: MYH7 is on the minus strand). VCF-style: chr14-23420161-G-A. GRCh37 (hg19) VCF-style: chr14-23889370-G-A.
Other names: c.3410C>T, p.Ser1137Leu (NM_001407004.1); short protein forms S1137L.
Identifiers: ClinVar variation 3387315 (VCV003387315.1).

ClinVar aggregate classification (germline): Uncertain significance (1 of 4 stars; one submission).

Conditions:
Cardiomyopathy (CMYO). Also called: Cardiomyopathies. Identifiers: Orphanet 167848, MedGen C0878544, MONDO:0004994, HP:0001638. Inheritance: Various modes of inheritance.

gnomAD v4.1: 1 of 1,602,616 alleles (0.000062%); highest among the groups gnomAD compares: South Asian, 0.0011%; no homozygotes.

Submission:

All of Us Research Program, National Institutes of Health
Classification: Uncertain significance for Cardiomyopathy. Last evaluated: 2024-08-13. Review status: criteria provided, single submitter. Criteria: ACMG Guidelines, 2015. Collection method: clinical testing. Allele origin: germline. Inheritance: Autosomal dominant inheritance. Observed: 1 variant allele, 1 heterozygote.
Comment: This missense variant replaces serine with leucine at codon 1137 of the MYH7 protein. Computational prediction is inconclusive regarding the impact of this variant on protein structure and function (internally defined REVEL score threshold 0.5 < inconclusive < 0.7, PMID: 27666373). To our knowledge, functional studies have not been reported for this variant. This variant has not been reported in individuals affected with MYH7-related disorders in the literature. This variant has not been identified in the general population by the Genome Aggregation Database (gnomAD). The available evidence is insufficient to determine the role of this variant in disease conclusively. Therefore, this variant is classified as a Variant of Uncertain Significance.

This study involves interpretation of variants in research participants for the purpose of population health screening. Participant phenotype was not available at the time of variant classification. Additional details can be found in publication PMID: 35346344, PMCID: PMC8962531